The following is an entry in ClinVar:

ClinVar aggregate classification (germline): Uncertain significance. Review status: criteria provided, multiple submitters, no conflicts (2 of 4 stars). 2 submissions from 2 submitters: Uncertain significance (2). Last evaluated 2021-06-02.

Conditions:
Hereditary cancer-predisposing syndrome. Also called: Neoplastic Syndromes, Hereditary; Tumor predisposition; Hereditary neoplastic syndrome; Hereditary Cancer Syndrome. Identifiers: Orphanet 140162, MedGen C0027672, MeSH D009386, MONDO:0015356.

Allele frequency attached by ClinVar (database versions not stated): gnomAD 0.00001; gnomAD exomes 0.00001 and 0.00002; ExAC 0.00002; 1000 Genomes Project 30x 0.00016; 1000 Genomes Project 0.00020.
gnomAD v4.1: 11 of 1,613,932 alleles (0.00068%); highest among the groups gnomAD compares: South Asian, 0.012%; 1 homozygote.

Submissions (2):

Ambry Genetics
Classification: Uncertain significance for Hereditary cancer-predisposing syndrome. Last evaluated: 2021-06-02. Review status: criteria provided, single submitter. Criteria: Ambry Variant Classification Scheme 2023. Collection method: clinical testing. Allele origin: germline.
Comment: The p.V219M variant (also known as c.655G>A), located in coding exon 3 of the XRCC2 gene, results from a G to A substitution at nucleotide position 655. The valine at codon 219 is replaced by methionine, an amino acid with highly similar properties. This amino acid position is poorly conserved in available vertebrate species. In addition, this alteration is predicted to be tolerated by in silico analysis. Since supporting evidence is limited at this time, the clinical significance of this alteration remains unclear.

Labcorp Genetics (formerly Invitae), Labcorp
Classification: Uncertain significance. Last evaluated: 2020-04-09. Review status: criteria provided, single submitter. Criteria: Invitae Variant Classification Sherloc (09022015). Collection method: clinical testing. Allele origin: germline.
Comment: In summary, the available evidence is currently insufficient to determine the role of this variant in disease. Therefore, it has been classified as a Variant of Uncertain Significance. Algorithms developed to predict the effect of missense changes on protein structure and function output the following: SIFT: "Tolerated"; PolyPhen-2: "Benign"; Align-GVGD: "Class C0". The methionine amino acid residue is found in multiple mammalian species, suggesting that this missense change does not adversely affect protein function. These predictions have not been confirmed by published functional studies and their clinical significance is uncertain. This variant has not been reported in the literature in individuals with XRCC2-related conditions. This variant is present in population databases (rs574987213, ExAC 0.02%). This sequence change replaces valine with methionine at codon 219 of the XRCC2 protein (p.Val219Met). The valine residue is weakly conserved and there is a small physicochemical difference between valine and methionine.

NM_005431.2(XRCC2):c.655G>A (p.Val219Met)

Gene: XRCC2 (X-ray repair cross complementing 2; minus strand). Cytogenetic location: 7q36.1.
Variant type: single nucleotide variant.
Coding change: c.655G>A on transcript NM_005431.2 (MANE Select); coding-DNA position 655, G replaced by A.
Protein change: p.Val219Met; replaces valine 219 with methionine.
Molecular consequence: missense variant.
Genome position (GRCh38, 1-based): chr7:152,648,830, C>T on the plus strand (G>A on the coding strand, the complement: XRCC2 is on the minus strand). VCF-style: chr7-152648830-C-T. GRCh37 (hg19) VCF-style: chr7-152345915-C-T.
Other names: short protein forms V219M.
Identifiers: ClinVar variation 826484 (VCV000826484.13), dbSNP rs574987213, ClinGen allele CA4582315.